The following is an entry in ClinVar:

ClinVar aggregate classification (germline): Uncertain significance (1 of 4 stars; one submission).

Submission:

GeneDx
Classification: Uncertain significance. Last evaluated: 2023-04-07. Review status: criteria provided, single submitter. Criteria: GeneDx Variant Classification Process June 2021. Collection method: clinical testing. Allele origin: germline. Affected: yes.
Comment: Not observed at significant frequency in large population cohorts (gnomAD); In silico analysis supports that this missense variant has a deleterious effect on protein structure/function; Has not been previously published as pathogenic or benign to our knowledge

NM_021005.4(NR2F2):c.788C>G (p.Pro263Arg)

Gene: NR2F2 (nuclear receptor subfamily 2 group F member 2; plus strand). Cytogenetic location: 15q26.2.
Variant type: single nucleotide variant.
Coding change: c.788C>G on transcript NM_021005.4 (MANE Select); coding-DNA position 788, C replaced by G.
Protein change: p.Pro263Arg; replaces proline 263 with arginine.
Molecular consequence: missense variant.
Genome position (GRCh38, 1-based): chr15:96,334,421, C>G. VCF-style: chr15-96334421-C-G. GRCh37 (hg19) VCF-style: chr15-96877650-C-G.
Other names: c.389C>G, p.Pro130Arg (NM_001145155.2); c.329C>G, p.Pro110Arg (NM_001145156.1, NM_001145157.2); short protein forms P110R, P130R, P263R.
Identifiers: ClinVar variation 2662096 (VCV002662096.1), dbSNP rs1455606804, ClinGen allele CA393931184.